The following is an entry in ClinVar:

ClinVar aggregate classification (germline): Benign. Review status: criteria provided, multiple submitters, no conflicts (2 of 4 stars). 4 submissions from 2 submitters: Benign (4). Last evaluated 2018-01-13.

Conditions:
Leber congenital amaurosis 7 (LCA7). Identifiers: Orphanet 65, MedGen C3151192, MONDO:0013449, OMIM 613829.
Retinitis pigmentosa (RP). Identifiers: Orphanet 791, MedGen C0035334, MeSH D012174, MONDO:0019200, OMIM 268000. Inheritance: Autosomal dominant, autosomal recessive and X linked inheritance.
Cone-rod dystrophy 2 (CORD2). Also called: CONE-ROD RETINAL DYSTROPHY; Cone-rod retinal dystrophy 2. Identifiers: Orphanet 1872, MedGen C3489532, MONDO:0007362, OMIM 120970.

Allele frequency attached by ClinVar (database versions not stated): 1000 Genomes Project 0.23023; 1000 Genomes Project 30x 0.23157; TOPMed 0.30481; gnomAD 0.31047 and 0.31186; gnomAD exomes 0.31343.
gnomAD v4.1: 47,341 of 152,058 alleles (31%); highest among the groups gnomAD compares: Non-Finnish European, 40%; 8,234 homozygotes.

Submissions (4):

Illumina Laboratory Services, Illumina
Classification: Benign for Leber congenital amaurosis 7. Last evaluated: 2018-01-13. Review status: criteria provided, single submitter. Criteria: ICSL Variant Classification Criteria 13 December 2019. Collection method: clinical testing. Allele origin: germline.
Comment: This variant was observed in the ICSL laboratory as part of a predisposition screen in an ostensibly healthy population. It had not been previously curated by ICSL or reported in the Human Gene Mutation Database (HGMD: prior to June 1st, 2018), and was therefore a candidate for classification through an automated scoring system. Utilizing variant allele frequency, disease prevalence and penetrance estimates, and inheritance mode, an automated score was calculated to assess if this variant is too frequent to cause the disease. Based on the score and internal cut-off values, a variant classified as benign is not then subjected to further curation. The score for this variant resulted in a classification of benign for this disease.

Illumina Laboratory Services, Illumina
Classification: Benign for Retinitis pigmentosa. Last evaluated: 2018-01-13. Review status: criteria provided, single submitter. Criteria: ICSL Variant Classification Criteria 13 December 2019. Collection method: clinical testing. Allele origin: germline.
Comment: the same text as in the submission from Illumina Laboratory Services, Illumina above.

Illumina Laboratory Services, Illumina
Classification: Benign for Cone-rod dystrophy 2. Last evaluated: 2018-01-13. Review status: criteria provided, single submitter. Criteria: ICSL Variant Classification Criteria 13 December 2019. Collection method: clinical testing. Allele origin: germline.
Comment: the same text as in the submission from Illumina Laboratory Services, Illumina above.

Breakthrough Genomics
Classification: Benign. Review status: criteria provided, single submitter. Criteria: ACMG Guidelines, 2015. Collection method: not provided. Allele origin: germline. Inheritance: Autosomal dominant inheritance. Affected: yes.

NM_000554.6(CRX):c.*2704C>T

Gene: CRX (cone-rod homeobox; plus strand). Cytogenetic location: 19q13.33.
Variant type: single nucleotide variant.
Coding change: c.*2704C>T on transcript NM_000554.6 (MANE Select); 2704 bases downstream of the stop codon, C replaced by T.
Molecular consequence: 3 prime UTR variant.
Genome position (GRCh38, 1-based): chr19:47,842,671, C>T. VCF-style: chr19-47842671-C-T. GRCh37 (hg19) VCF-style: chr19-48345928-C-T.
Identifiers: ClinVar variation 329768 (VCV000329768.6), dbSNP rs12974951, ClinGen allele CA10643088.
Genomic context (GRCh38, chr19:47,842,671, plus strand): 5'-GAGTGGCTCAAGAGTCCAGTGTGGGATGAAAATATAAACAGAGGAAGACAACATATGTCA[C>T]TGGGGAGGCTGGGGGAGCTAGACAAAATTCACACGGGAGGGGCAGGGATGAGACAATATT-3'